The following is an entry in ClinVar:

ClinVar aggregate classification (germline): Pathogenic. Review status: criteria provided, multiple submitters, no conflicts (2 of 4 stars). 3 submissions from 3 submitters: Pathogenic (3). Last evaluated 2024-10-25.

Conditions:
Familial thoracic aortic aneurysm and aortic dissection (TAAD). Also called: Thoracic aortic aneurysms and dissections. Identifiers: Orphanet 91387, MedGen C4707243, MONDO:0019625.

Submissions (3):

Ambry Genetics
Classification: Pathogenic for Familial thoracic aortic aneurysm and aortic dissection. Last evaluated: 2024-10-25. Review status: criteria provided, single submitter. Criteria: Ambry Variant Classification Scheme 2023. Collection method: clinical testing. Allele origin: germline.
Comment: The p.Q1224* pathogenic mutation (also known as c.3670C>T), located in coding exon 29 of the FBN1 gene, results from a C to T substitution at nucleotide position 3670. This changes the amino acid from a glutamine to a stop codon within coding exon 29. This variant has been observed in at least one individual with a personal and/or family history that is consistent with Marfan syndrome (Ambry internal data; Baudhuin LM et al. J Hum Genet, 2015 May;60:241-52). This variant is considered to be rare based on population cohorts in the Genome Aggregation Database (gnomAD). This alteration is expected to result in loss of function by premature protein truncation or nonsense-mediated mRNA decay. As such, this alteration is interpreted as a disease-causing mutation.

GeneDx
Classification: Pathogenic. Last evaluated: 2024-06-28. Review status: criteria provided, single submitter. Criteria: GeneDx Variant Classification Process June 2021. Collection method: clinical testing. Allele origin: germline. Affected: yes.
Comment: Nonsense variant predicted to result in protein truncation or nonsense mediated decay in a gene for which loss of function is a known mechanism of disease; Identified in a patient with suspected or clinically confirmed Marfan syndrome in the published literature, however, further clinical information was not provided for this patient (PMID: 25652356); Not observed at significant frequency in large population cohorts (gnomAD); This variant is associated with the following publications: (PMID: 25652356)

ARUP Laboratories, Molecular Genetics and Genomics, ARUP Laboratories
Classification: Pathogenic. Last evaluated: 2024-01-16. Review status: criteria provided, single submitter. Criteria: ARUP Molecular Germline Variant Investigation Process 2024. Collection method: clinical testing. Allele origin: germline.
Comment: The FBN1 c.3670C>T; p.Gln1224Ter variant is reported in the literature in at least one individual affected with Marfan syndrome (Baudhuin 2015). This variant is absent from the Genome Aggregation Database (v2.1.1), indicating it is not a common polymorphism. This variant induces an early termination codon and is predicted to result in a truncated protein or mRNA subject to nonsense-mediated decay. Based on available information, this variant is considered to be pathogenic. References: Baudhuin LM et al. Decreased frequency of FBN1 missense variants in Ghent criteria-positive Marfan syndrome and characterization of novel FBN1 variants. J Hum Genet. 2015 May;60(5):241-52. PMID: 25652356.

Literature cited by the submitters: PubMed 25652356 (cited by Ambry Genetics).

NM_000138.5(FBN1):c.3670C>T (p.Gln1224Ter)

Gene: FBN1 (fibrillin 1; minus strand). Cytogenetic location: 15q21.1.
Variant type: single nucleotide variant.
Coding change: c.3670C>T on transcript NM_000138.5 (MANE Select); coding-DNA position 3670, C replaced by T.
Protein change: p.Gln1224Ter; replaces glutamine 1224 with a stop codon.
Molecular consequence: nonsense.
Genome position (GRCh38, 1-based): chr15:48,485,416, G>A on the plus strand (C>T on the coding strand, the complement: FBN1 is on the minus strand). VCF-style: chr15-48485416-G-A. GRCh37 (hg19) VCF-style: chr15-48777613-G-A.
Other names: c.3670C>T, p.Gln1224Ter (NM_001406716.1); short protein forms Q1224*.
Identifiers: ClinVar variation 3392569 (VCV003392569.3).